The following is an entry in ClinVar:

ClinVar aggregate classification (germline): Pathogenic (1 of 4 stars; one submission).

Conditions:
Inborn genetic diseases. Identifiers: MedGen C0950123, MeSH D030342.

Submission:

Ambry Genetics
Classification: Pathogenic for Inborn genetic diseases. Last evaluated: 2021-11-10. Review status: criteria provided, single submitter. Criteria: Ambry Variant Classification Scheme 2023. Collection method: clinical testing. Allele origin: germline.
Comment: The p.Q64* pathogenic mutation (also known as c.190C>T), located in coding exon 1 of the SPG11 gene, results from a C to T substitution at nucleotide position 190. This changes the amino acid from a glutamine to a stop codon within coding exon 1. This variant is considered to be rare based on population cohorts in the Genome Aggregation Database (gnomAD). This alteration is expected to result in loss of function by premature protein truncation or nonsense-mediated mRNA decay. As such, this alteration is interpreted as a disease-causing mutation.

NM_025137.4(SPG11):c.190C>T (p.Gln64Ter)

Gene: SPG11 (SPG11 vesicle trafficking associated, spatacsin; minus strand). Cytogenetic location: 15q21.1.
Variant type: single nucleotide variant.
Coding change: c.190C>T on transcript NM_025137.4 (MANE Select); coding-DNA position 190, C replaced by T.
Protein change: p.Gln64Ter; replaces glutamine 64 with a stop codon.
Molecular consequence: nonsense.
Genome position (GRCh38, 1-based): chr15:44,663,458, G>A on the plus strand (C>T on the coding strand, the complement: SPG11 is on the minus strand). VCF-style: chr15-44663458-G-A. GRCh37 (hg19) VCF-style: chr15-44955656-G-A.
Other names: c.190C>T, p.Gln64Ter (NM_001160227.2, NM_001411132.1); short protein forms Q64*.
Identifiers: ClinVar variation 1782479 (VCV001782479.2), dbSNP rs1566838280, ClinGen allele CA392238609.